The following is an entry in ClinVar:

NM_000719.7(CACNA1C):c.2853+1G>T

Gene: CACNA1C (calcium voltage-gated channel subunit alpha1 C; plus strand). Cytogenetic location: 12p13.33.
Variant type: single nucleotide variant.
Coding change: c.2853+1G>T on transcript NM_000719.7 (MANE Select); the canonical splice donor site of the intron after coding-DNA position 2853, G replaced by T.
Molecular consequence: splice donor variant. On other transcripts: intron variant (8).
Genome position (GRCh38, 1-based): chr12:2,597,290, G>T. VCF-style: chr12-2597290-G-T. GRCh37 (hg19) VCF-style: chr12-2706456-G-T.
Other names: c.2853+1G>T (NM_001167624.3, NM_001167623.2, NM_001167625.2 and 10 more transcripts); c.2794-147G>T (NM_001129840.2, NM_001129836.2, NM_001129841.2 and 5 more transcripts); c.2844+1G>T (NM_001129844.2).
Identifiers: ClinVar variation 4086502 (VCV004086502.1).

ClinVar aggregate classification (germline): Likely pathogenic (1 of 4 stars; one submission).

Submission:

GeneDx
Classification: Likely pathogenic. Last evaluated: 2025-03-18. Review status: criteria provided, single submitter. Criteria: GeneDx Variant Classification Process June 2021. Collection method: clinical testing. Allele origin: germline. Affected: yes.
Comment: Canonical splice site variant predicted to result in an in-frame loss of the adjacent exon in a gene for which loss of function is a known mechanism of disease; Not observed at significant frequency in large population cohorts (gnomAD); Has not been previously published as pathogenic or benign to our knowledge